The following is an entry in ClinVar:

ClinVar aggregate classification (germline): Uncertain significance (1 of 4 stars; one submission).

Allele frequency attached by ClinVar (database versions not stated): gnomAD exomes below 0.00001; ExAC 0.00001.
gnomAD v4.1: 2 of 1,614,138 alleles (0.00012%); highest among the groups gnomAD compares: South Asian, 0.0022%; no homozygotes.

Submissions (2):

Labcorp Genetics (formerly Invitae), Labcorp
Classification: Uncertain significance. Last evaluated: 2022-03-27. Review status: criteria provided, single submitter. Criteria: Invitae Variant Classification Sherloc (09022015). Collection method: clinical testing. Allele origin: germline.
Comment: This sequence change replaces threonine, which is neutral and polar, with alanine, which is neutral and non-polar, at codon 284 of the TARS2 protein (p.Thr284Ala). This variant is not present in population databases (gnomAD no frequency). In summary, the available evidence is currently insufficient to determine the role of this variant in disease. Therefore, it has been classified as a Variant of Uncertain Significance. Algorithms developed to predict the effect of missense changes on protein structure and function output the following: SIFT: "Tolerated"; PolyPhen-2: "Benign"; Align-GVGD: "Class C0". The alanine amino acid residue is found in multiple mammalian species, which suggests that this missense change does not adversely affect protein function. This variant has not been reported in the literature in individuals affected with TARS2-related conditions.

Dr. Peter K. Rogan Lab, Western University
No classification provided (evidence only). Condition: Colon adenocarcinoma. Review status: no classification provided. Collection method: in vitro. Allele origin: not applicable. Functional consequence: retained intron. Not counted in ClinVar's aggregate classification.

NM_025150.5(TARS2):c.850A>G (p.Thr284Ala)

Gene: TARS2 (threonyl-tRNA synthetase 2, mitochondrial; plus strand). Cytogenetic location: 1q21.2.
Variant type: single nucleotide variant.
Coding change: c.850A>G on transcript NM_025150.5 (MANE Select); coding-DNA position 850, A replaced by G.
Protein change: p.Thr284Ala; replaces threonine 284 with alanine.
Molecular consequence: missense variant. On other transcripts: non-coding transcript variant (1), intron variant (2).
Genome position (GRCh38, 1-based): chr1:150,496,557, A>G. VCF-style: chr1-150496557-A-G. GRCh37 (hg19) VCF-style: chr1-150469033-A-G.
Other names: c.775-973A>G (NM_001271895.2); c.631-973A>G (NM_001271896.2); short protein forms T284A.
Identifiers: ClinVar variation 1962754 (VCV001962754.6), dbSNP rs748946128, ClinGen allele CA1076826.